The following is an entry in ClinVar:

NM_004370.6(COL12A1):c.3412T>C (p.Tyr1138His)

Gene: COL12A1 (collagen type XII alpha 1 chain; minus strand). Cytogenetic location: 6q13.
Variant type: single nucleotide variant.
Coding change: c.3412T>C on transcript NM_004370.6 (MANE Select); coding-DNA position 3412, T replaced by C.
Protein change: p.Tyr1138His; replaces tyrosine 1138 with histidine.
Molecular consequence: missense variant. On other transcripts: intron variant (2).
Genome position (GRCh38, 1-based): chr6:75,155,693, A>G on the plus strand (T>C on the coding strand, the complement: COL12A1 is on the minus strand). VCF-style: chr6-75155693-A-G. GRCh37 (hg19) VCF-style: chr6-75865409-A-G.
Other names: c.3412T>C, p.Tyr1138His (NM_001424113.1, NM_001424114.1); c.3139T>C, p.Tyr1047His (NM_001424115.1); c.74-3211T>C (NM_001424116.1, NM_080645.3); short protein forms Y1047H, Y1138H.
Identifiers: ClinVar variation 4884848 (VCV004884848.1).

ClinVar aggregate classification (germline): Uncertain significance (0 of 4 stars; one submission).

Conditions:
Bethlem myopathy 2 (BTHLM2). Identifiers: Orphanet 536516, Orphanet 610, MedGen C4225313, MONDO:0034022, OMIM 616471.

gnomAD v4.1: 1 of 1,610,624 alleles (0.000062%); highest among the groups gnomAD compares: South Asian, 0.0011%; no homozygotes.

Submission:

Hong-Tao Li Lab, Institute of Brain Science and Brain-inspired Research, Shandong First Medical University & Shandong Academy of Medical Sciences China
Classification: Uncertain significance for Bethlem myopathy 2. Review status: no assertion criteria provided. Collection method: research. Allele origin: germline. Inheritance: Autosomal dominant inheritance. Affected: yes. Observed: 1 variant allele, 1 heterozygote.
Comment: Observed in affected individuals from a Pakistani neurodevelopmental-disorder research cohort of 263 individuals. Classification assigned using the ACMG/AMP framework.